The following is an entry in ClinVar:

ClinVar aggregate classification (germline): Uncertain significance. Review status: criteria provided, multiple submitters, no conflicts (2 of 4 stars). 2 submissions from 2 submitters: Uncertain significance (2). Last evaluated 2025-09-19.

Submissions (2):

Mayo Clinic Laboratories, Mayo Clinic
Classification: Uncertain significance. Last evaluated: 2025-09-19. Review status: criteria provided, single submitter. Criteria: ACMG Guidelines, 2015. Collection method: clinical testing. Allele origin: germline. Observed: 1 variant allele.
Comment: BP4

Labcorp Genetics (formerly Invitae), Labcorp
Classification: Uncertain significance. Last evaluated: 2024-08-12. Review status: criteria provided, single submitter. Criteria: Invitae Variant Classification Sherloc (09022015). Collection method: clinical testing. Allele origin: germline.
Comment: This sequence change replaces alanine, which is neutral and non-polar, with threonine, which is neutral and polar, at codon 90 of the TBXA2R protein (p.Ala90Thr). This variant is present in population databases (rs753604414, gnomAD 0.008%). This variant has not been reported in the literature in individuals affected with TBXA2R-related conditions. Advanced modeling of protein sequence and biophysical properties (such as structural, functional, and spatial information, amino acid conservation, physicochemical variation, residue mobility, and thermodynamic stability) performed at Invitae indicates that this missense variant is not expected to disrupt TBXA2R protein function with a negative predictive value of 80%. In summary, the available evidence is currently insufficient to determine the role of this variant in disease. Therefore, it has been classified as a Variant of Uncertain Significance.

NM_001060.6(TBXA2R):c.268G>A (p.Ala90Thr)

Gene: TBXA2R (thromboxane A2 receptor; minus strand). Cytogenetic location: 19p13.3.
Variant type: single nucleotide variant.
Coding change: c.268G>A on transcript NM_001060.6 (MANE Select); coding-DNA position 268, G replaced by A.
Protein change: p.Ala90Thr; replaces alanine 90 with threonine.
Molecular consequence: missense variant.
Genome position (GRCh38, 1-based): chr19:3,600,367, C>T on the plus strand (G>A on the coding strand, the complement: TBXA2R is on the minus strand). VCF-style: chr19-3600367-C-T. GRCh37 (hg19) VCF-style: chr19-3600365-C-T.
Other names: p.Ala90Thr; c.268G>A, p.Ala90Thr (NM_201636.3); short protein forms A90T.
Identifiers: ClinVar variation 3615023 (VCV003615023.3).